The following is an entry in ClinVar:

NM_000186.4(CFH):c.3616C>T (p.Arg1206Cys)

Gene: CFH (complement factor H; plus strand). Cytogenetic location: 1q31.3.
Variant type: single nucleotide variant.
Coding change: c.3616C>T on transcript NM_000186.4 (MANE Select); coding-DNA position 3616, C replaced by T.
Protein change: p.Arg1206Cys; replaces arginine 1206 with cysteine.
Molecular consequence: missense variant.
Genome position (GRCh38, 1-based): chr1:196,747,233, C>T. VCF-style: chr1-196747233-C-T. GRCh37 (hg19) VCF-style: chr1-196716363-C-T.
Other names: short protein forms R1206C.
Identifiers: ClinVar variation 1342904 (VCV001342904.3), dbSNP rs1573087364, ClinGen allele CA343988072.

ClinVar aggregate classification (germline): Conflicting classifications of pathogenicity. Review status: criteria provided, conflicting classifications (1 of 4 stars). 2 submissions from 2 submitters: Likely pathogenic (1); Uncertain significance (1). Last evaluated 2026-09-17.

Conditions:
Atypical hemolytic-uremic syndrome. Identifiers: Orphanet 2134, MedGen C2931788, MONDO:0016244.
Factor H deficiency (CFHD). Also called: COMPLEMENT FACTOR H DEFICIENCY; CFH DEFICIENCY. Identifiers: Orphanet 200421, MedGen C0398777, MONDO:0012350, OMIM 609814.
Hemolytic uremic syndrome, atypical, susceptibility to, 1. Also called: AHUS, SUSCEPTIBILITY TO, 1. Identifiers: Orphanet 2134, Orphanet 90038, MedGen C2749604, MONDO:0009335, OMIM 235400. Disease mechanism: Other.

Allele frequency attached by ClinVar (database versions not stated): gnomAD 0.00001; gnomAD exomes 0.00001.
gnomAD v4.1: 5 of 1,613,764 alleles (0.00031%); highest among the groups gnomAD compares: Non-Finnish European, 0.00042%; no homozygotes.

Submissions (2):

Genomenon, Inc
Classification: Uncertain significance for Atypical hemolytic-uremic syndrome; Factor H deficiency. Last evaluated: 2026-09-17. Review status: criteria provided, single submitter. Criteria: Genomenon Sequence Variant Interpretation Standards - Updated. Collection method: curation. Allele origin: germline. Affected: yes.
Comment: CFH p.Arg1206Cys (c.3616C>T) is a missense variant that changes the amino acid at codon 1206 from arginine to cysteine. This variant has been observed in at least one proband affected with a CFH-related disorder (PMID: 29888403; 20106822; 22622361; 28821363; 38317858; 27268256). Functional studies have been reported (PMID: 34189567). It is absent or not present at a significant frequency in gnomAD. In conclusion, we classify CFH p.Arg1206Cys (c.3616C>T) as a variant of uncertain significance.

Institute of Human Genetics, University of Leipzig Medical Center
Classification: Likely pathogenic for Hemolytic uremic syndrome, atypical, susceptibility to, 1. Last evaluated: 2022-02-23. Review status: criteria provided, single submitter. Criteria: ACMG Guidelines, 2015. Collection method: clinical testing. Allele origin: unknown. Affected: yes.
Comment: _x000D_ Criteria applied: PM1, PM5, PS4_SUP, PM2_SUP, PP4, BP4

Literature cited by the submitters: PubMed 29888403 (cited by Genomenon, Inc); PubMed 20106822 (cited by Genomenon, Inc); PubMed 22622361 (cited by Genomenon, Inc); PubMed 28821363 (cited by Genomenon, Inc); PubMed 38317858 (cited by Genomenon, Inc); PubMed 27268256 (cited by Genomenon, Inc); PubMed 34189567 (cited by Genomenon, Inc).